The following is an entry in ClinVar:

ClinVar aggregate classification (germline): Uncertain significance (1 of 4 stars; one submission).

Conditions:
Catecholaminergic polymorphic ventricular tachycardia 1. Also called: VENTRICULAR TACHYCARDIA, CATECHOLAMINERGIC POLYMORPHIC, 1, WITH OR WITHOUT ATRIAL DYSFUNCTION AND/OR DILATED CARDIOMYOPATHY; RYR2-Related Catecholaminergic Polymorphic Ventricular Tachycardia; VENTRICULAR TACHYCARDIA, STRESS-INDUCED POLYMORPHIC 1. Identifiers: Orphanet 3286, MedGen C1631597, MONDO:0011484, OMIM 604772.

Submission:

Labcorp Genetics (formerly Invitae), Labcorp
Classification: Uncertain significance for Catecholaminergic polymorphic ventricular tachycardia 1. Last evaluated: 2022-01-18. Review status: criteria provided, single submitter. Criteria: Invitae Variant Classification Sherloc (09022015). Collection method: clinical testing. Allele origin: germline.
Comment: In summary, the available evidence is currently insufficient to determine the role of this variant in disease. Therefore, it has been classified as a Variant of Uncertain Significance. This variant has not been reported in the literature in individuals affected with RYR2-related conditions. This variant is not present in population databases (gnomAD no frequency). This sequence change creates a premature translational stop signal (p.Glu2349Serfs*37) in the RYR2 gene. It is expected to result in an absent or disrupted protein product. However, the current clinical and genetic evidence is not sufficient to establish whether loss-of-function variants in RYR2 cause disease.

NM_001035.3(RYR2):c.7045_7057del (p.Glu2349fs)

Gene: RYR2 (ryanodine receptor 2; plus strand). Cytogenetic location: 1q43.
Variant type: Deletion.
Coding change: c.7045_7057del on transcript NM_001035.3 (MANE Select); coding-DNA positions 7045 to 7057, 13 bases deleted (GAAGCCATCAAAA).
Protein change: p.Glu2349fs; shifts the reading frame from glutamic acid 2349.
Molecular consequence: frameshift variant.
Genome position (GRCh38, 1-based): chr1:237,639,131-237,639,143, GAAGCCATCAAAA deleted; deleting any 13 consecutive bases within chr1:237,639,129-237,639,143 gives the same sequence; the c. name uses the placement nearest the transcript's 3' end. VCF-style (leftmost placement, unchanged base first): chr1-237639128-GAAGAAGCCATCAA-G. GRCh37 (hg19) VCF-style: chr1-237802428-GAAGAAGCCATCAA-G.
Other names: short protein forms E2349fs.
Identifiers: ClinVar variation 1987614 (VCV001987614.4), dbSNP rs2546964692, ClinGen allele CA2580062447.